The following is an entry in ClinVar:

NM_000426.4(LAMA2):c.4717+2T>A

Gene: LAMA2 (laminin subunit alpha 2; plus strand). Cytogenetic location: 6q22.33.
Variant type: single nucleotide variant.
Coding change: c.4717+2T>A on transcript NM_000426.4 (MANE Select); the canonical splice donor site of the intron after coding-DNA position 4717, T replaced by A.
Molecular consequence: splice donor variant.
Genome position (GRCh38, 1-based): chr6:129,353,359, T>A. VCF-style: chr6-129353359-T-A. GRCh37 (hg19) VCF-style: chr6-129674504-T-A.
Other names: c.4717+2T>A (NM_001079823.2).
Identifiers: ClinVar variation 1493102 (VCV001493102.8), dbSNP rs779834223, ClinGen allele CA365618954.

ClinVar aggregate classification (germline): Likely pathogenic (1 of 4 stars; one submission).

Conditions:
LAMA2-related muscular dystrophy (LAMA2-RD). Also called: Laminin alpha 2-related dystrophy. Identifiers: MedGen C5679788, MONDO:0100228.

Submission:

Labcorp Genetics (formerly Invitae), Labcorp
Classification: Likely pathogenic for LAMA2-related muscular dystrophy. Last evaluated: 2021-06-01. Review status: criteria provided, single submitter. Criteria: Invitae Variant Classification Sherloc (09022015). Collection method: clinical testing. Allele origin: germline.
Comment: This sequence change affects a donor splice site in intron 32 of the LAMA2 gene. It is expected to disrupt RNA splicing. Variants that disrupt the donor or acceptor splice site typically lead to a loss of protein function (PMID: 16199547), and loss-of-function variants in LAMA2 are known to be pathogenic (PMID: 18700894). In summary, the currently available evidence indicates that the variant is pathogenic, but additional data are needed to prove that conclusively. Therefore, this variant has been classified as Likely Pathogenic. Algorithms developed to predict the effect of sequence changes on RNA splicing suggest that this variant may disrupt the consensus splice site, but this prediction has not been confirmed by published transcriptional studies. This variant has not been reported in the literature in individuals with LAMA2-related conditions. This variant is not present in population databases (ExAC no frequency).

Literature cited by the submitters: PubMed 16199547; PubMed 18700894.